The following is an entry in ClinVar:

ClinVar aggregate classification (germline): Likely pathogenic (1 of 4 stars; one submission).

Conditions:
Hereditary spastic paraplegia 48. Also called: SPASTIC PARAPLEGIA 48, AUTOSOMAL RECESSIVE; Spastic paraplegia 48. Identifiers: Orphanet 306511, MedGen C3150901, MONDO:0013342, OMIM 613647.

Submission:

Labcorp Genetics (formerly Invitae), Labcorp
Classification: Likely pathogenic for Hereditary spastic paraplegia 48. Last evaluated: 2018-05-31. Review status: criteria provided, single submitter. Criteria: Invitae Variant Classification Sherloc (09022015). Collection method: clinical testing. Allele origin: germline.
Comment: This variant,¬†c.41+812_970delinsTTAGCCGGGCATGGTG, is a complex rearrangement involving a gross deletion of the genomic region encompassing exons 2-8 and part of exon 9 of the¬†AP5Z1¬†gene and an insertion of 16 nucleotides. It is expected to disrupt RNA splicing and likely results in an absent or disrupted protein product. This variant has not been reported in the literature in individuals with AP5Z1-related disease. Loss-of-function variants in AP5Z1 are known to be pathogenic (PMID: 20613862, 27606357). In summary, the currently available evidence indicates that the variant is pathogenic, but additional data are needed to prove that conclusively. Therefore, this variant has been classified as Likely Pathogenic.

Literature cited by the submitters: PubMed 20613862; PubMed 27606357.

NC_000007.13:g.(?_4816199)_4825153del

Gene: AP5Z1 (adaptor related protein complex 5 subunit zeta 1; plus strand).
Variant type: Deletion.
Identifiers: ClinVar variation 1067378 (VCV001067378.2).